The following is an entry in ClinVar:

ClinVar aggregate classification (germline): Benign/Likely benign. Review status: criteria provided, multiple submitters, no conflicts (2 of 4 stars). 9 submissions from 9 submitters: Benign (5); Likely benign (1). 3 of the submissions do not count toward it. Last evaluated 2026-02-04.

Conditions:
Retinal dystrophy. Also called: Inherited retinal dystrophy. Identifiers: Orphanet 71862, MedGen C0854723, MeSH D058499, MONDO:0019118, HP:0000556.
Retinitis pigmentosa (RP). Identifiers: Orphanet 791, MedGen C0035334, MeSH D012174, MONDO:0019200, OMIM 268000. Inheritance: Autosomal dominant, autosomal recessive and X linked inheritance.

Allele frequency attached by ClinVar (database versions not stated): 1000 Genomes Project 0.09125; gnomAD 0.09833 and 0.09577; TOPMed 0.10160; gnomAD exomes 0.11803 and 0.13234; 1000 Genomes Project 30x 0.08885; ExAC 0.10973; ESP Exome Variant Server 0.10600.
gnomAD v4.1: 199,140 of 1,547,842 alleles (13%); highest among the groups gnomAD compares: East Asian, 15%; 13,774 homozygotes.

Submissions (9):

Labcorp Genetics (formerly Invitae), Labcorp
Classification: Benign. Last evaluated: 2026-02-04. Review status: criteria provided, single submitter. Criteria: Invitae Variant Classification Sherloc (09022015). Collection method: clinical testing. Allele origin: germline.

Women's Health and Genetics/Laboratory Corporation of America, LabCorp
Classification: Likely benign. Last evaluated: 2025-11-24. Review status: criteria provided, single submitter. Criteria: LabCorp Variant Classification Summary - May 2015. Collection method: clinical testing. Allele origin: germline.

Dept Of Ophthalmology, Nagoya University
Classification: Benign for Retinal dystrophy. Last evaluated: 2023-10-01. Review status: criteria provided, single submitter. Criteria: Submitter's publication. Collection method: research. Allele origin: germline. Affected: yes.

Illumina Laboratory Services, Illumina
Classification: Benign for Retinitis pigmentosa. Last evaluated: 2018-01-12. Review status: criteria provided, single submitter. Criteria: ICSL Variant Classification Criteria 13 December 2019. Collection method: clinical testing. Allele origin: germline.
Comment: This variant was observed in the ICSL laboratory as part of a predisposition screen in an ostensibly healthy population. It had not been previously curated by ICSL or reported in the Human Gene Mutation Database (HGMD: prior to June 1st, 2018), and was therefore a candidate for classification through an automated scoring system. Utilizing variant allele frequency, disease prevalence and penetrance estimates, and inheritance mode, an automated score was calculated to assess if this variant is too frequent to cause the disease. Based on the score and internal cut-off values, a variant classified as benign is not then subjected to further curation. The score for this variant resulted in a classification of benign for this disease.

Eurofins Ntd Llc (ga)
Classification: Benign. Last evaluated: 2013-09-25. Review status: criteria provided, single submitter. Criteria: EGL Classification Definitions 2015. Collection method: clinical testing. Allele origin: germline. Observed: 2 variant alleles, 2 heterozygotes.

GeneDx
Classification: Benign. Last evaluated: 2011-08-11. Review status: criteria provided, single submitter. Criteria: GeneDx Variant Classification (06012015). Collection method: clinical testing. Allele origin: germline. Affected: yes.
Comment: This variant is considered likely benign or benign based on one or more of the following criteria: it is a conservative change, it occurs at a poorly conserved position in the protein, it is predicted to be benign by multiple in silico algorithms, and/or has population frequency not consistent with disease.

Natera, Inc.
Classification: Benign for Retinitis pigmentosa. Last evaluated: 2020-09-16. Review status: no assertion criteria provided. Collection method: clinical testing. Allele origin: germline. Not counted in ClinVar's aggregate classification.

Clinical Genetics DNA and cytogenetics Diagnostics Lab, Erasmus MC, Erasmus Medical Center
Classification: Benign. Review status: no assertion criteria provided. Collection method: clinical testing. Allele origin: germline. Affected: yes. Study: VKGL Data-share Consensus. Not counted in ClinVar's aggregate classification.

Joint Genome Diagnostic Labs from Nijmegen and Maastricht, Radboudumc and MUMC+
Classification: Benign. Review status: no assertion criteria provided. Collection method: clinical testing. Allele origin: germline. Affected: yes. Study: VKGL Data-share Consensus. Not counted in ClinVar's aggregate classification.

NM_001142800.2(EYS):c.5617C>G (p.Leu1873Val)

Gene: EYS (EGF-like photoreceptor maintenance factor; minus strand). Cytogenetic location: 6q12.
Variant type: single nucleotide variant.
Coding change: c.5617C>G on transcript NM_001142800.2 (MANE Select); coding-DNA position 5617, C replaced by G.
Protein change: p.Leu1873Val; replaces leucine 1873 with valine.
Molecular consequence: missense variant.
Genome position (GRCh38, 1-based): chr6:64,590,250, G>C on the plus strand (C>G on the coding strand, the complement: EYS is on the minus strand). VCF-style: chr6-64590250-G-C. GRCh37 (hg19) VCF-style: chr6-65300143-G-C.
Other names: p.L1873V:CTG>GTG; c.5617C>G (FM209056.1); c.5617C>G, p.Leu1873Val (NM_001292009.2); short protein forms L1873V.
Identifiers: ClinVar variation 93618 (VCV000093618.24), dbSNP rs16895517, ClinGen allele CA147161.
Genomic context (GRCh38, chr6:64,590,250, plus strand): 5'-AAAAGTTTACTGAACAGAAACTGAGAAACTCACCAGAAATCATCAGCCGTTGAGGTGCCA[G>C]AATGGATTCCAGTGAAGACAAAGTAAGAGATCTAGTGAAGGGAAGATGCCGGCTTGCAGT-3'
Protein context (NP_001136272.1, residues 1863-1883): SLTLSSLESI[Leu1873Val]APQRLMISDF